The following is an entry in ClinVar:

ClinVar aggregate classification (germline): Conflicting classifications of pathogenicity. Review status: criteria provided, conflicting classifications (1 of 4 stars). 3 submissions from 3 submitters: Likely pathogenic (1); Uncertain significance (2). Last evaluated 2026-05-19.

Conditions:
Cardiovascular phenotype. Identifiers: MedGen CN230736.
Dilated cardiomyopathy 1O (CMD1O). Also called: CARDIOMYOPATHY, DILATED, WITH VENTRICULAR TACHYCARDIA. Identifiers: Orphanet 154, MedGen C1837839, MONDO:0012062, OMIM 608569.

Allele frequency attached by ClinVar (database versions not stated): gnomAD exomes below 0.00001.
gnomAD v4.1: 2 of 1,588,912 alleles (0.00013%); highest among the groups gnomAD compares: Non-Finnish European, 0.00017%; no homozygotes.

Submissions (3):

Ambry Genetics
Classification: Uncertain significance for Cardiovascular phenotype. Last evaluated: 2026-05-19. Review status: criteria provided, single submitter. Criteria: Ambry Variant Classification Scheme 2023. Collection method: clinical testing. Allele origin: germline.
Comment: The c.4103-1G>A intronic variant results from a G to A substitution one nucleotide before coding exon 34 of the ABCC9 gene. This nucleotide position is highly conserved in available vertebrate species. In silico splice site analysis predicts that this alteration will weaken the native splice acceptor site. Although biallelic loss of function of ABCC9 has been associated with autosomal recessive neurodevelopmental myopathy syndrome, haploinsufficiency of ABCC9 has not been established as a mechanism of disease for autosomal dominant Cant&uacute; syndrome. Based on the supporting evidence, this variant is expected to be causative of autosomal recessive neurodevelopmental myopathy syndrome when present along with a second pathogenic variant on the other allele; however, its clinical significance for autosomal dominant Cant&uacute; syndrome is unclear.

Labcorp Genetics (formerly Invitae), Labcorp
Classification: Likely pathogenic for Dilated cardiomyopathy 1O. Last evaluated: 2024-07-06. Review status: criteria provided, single submitter. Criteria: Invitae Variant Classification Sherloc (09022015). Collection method: clinical testing. Allele origin: germline.
Comment: This sequence change affects an acceptor splice site in intron 33 of the ABCC9 gene. It is expected to disrupt RNA splicing. Variants that disrupt the donor or acceptor splice site typically lead to a loss of protein function (PMID: 16199547), and loss-of-function variants in ABCC9 are known to be pathogenic (PMID: 31575858, 38217872). This variant is present in population databases (no rsID available, gnomAD 0.0009%). This variant has not been reported in the literature in individuals affected with ABCC9-related conditions. ClinVar contains an entry for this variant (Variation ID: 1343609). Algorithms developed to predict the effect of sequence changes on RNA splicing suggest that this variant may disrupt the consensus splice site. In summary, the currently available evidence indicates that the variant is pathogenic, but additional data are needed to prove that conclusively. Therefore, this variant has been classified as Likely Pathogenic.

Women's Health and Genetics/Laboratory Corporation of America, LabCorp
Classification: Uncertain significance. Last evaluated: 2022-02-17. Review status: criteria provided, single submitter. Criteria: LabCorp Variant Classification Summary - May 2015. Collection method: clinical testing. Allele origin: germline.
Comment: Variant summary: ABCC9 c.4103-1G>A is located in a canonical splice-site and is predicted to affect mRNA splicing resulting in a significantly altered protein due to either exon skipping, shortening, or inclusion of intronic material. Several computational tools predict a significant impact on normal splicing: Four predict the variant abolishes a 3' acceptor site, with three of them also predicting it creates a new cryptic exonic 3' acceptor site. However, these predictions have yet to be confirmed by functional studies. The variant allele was found at a frequency of 4e-06 in 250782 control chromosomes (gnomAD). The available data on variant occurrences in the general population are insufficient to allow any conclusion about variant significance. To our knowledge, no occurrence of c.4103-1G>A in individuals affected with Cardiomyopathy and no experimental evidence demonstrating its impact on protein function have been reported. No clinical diagnostic laboratories have submitted clinical-significance assessments for this variant to ClinVar after 2014. Based on the evidence outlined above, the variant was classified as uncertain significance.

Literature cited by the submitters: PubMed 16199547 (cited by Labcorp Genetics (formerly Invitae), Labcorp); PubMed 31575858 (cited by Labcorp Genetics (formerly Invitae), Labcorp); PubMed 38217872 (cited by Labcorp Genetics (formerly Invitae), Labcorp).

NM_020297.4(ABCC9):c.4103-1G>A

Genes: KCNJ8-AS1 (KCNJ8 antisense RNA 1; plus strand), ABCC9 (ATP binding cassette subfamily C member 9; minus strand). Cytogenetic location: 12p12.1.
Variant type: single nucleotide variant.
Coding change: c.4103-1G>A on transcript NM_020297.4 (MANE Select); the canonical splice acceptor site of the intron before coding-DNA position 4103, G replaced by A.
Molecular consequence: splice acceptor variant.
Genome position (GRCh38, 1-based): chr12:21,812,158, C>T on the plus strand (G>A on the coding strand, the complement: ABCC9 is on the minus strand). VCF-style: chr12-21812158-C-T. GRCh37 (hg19) VCF-style: chr12-21965092-C-T.
Other names: c.3236-1G>A (NM_001377274.1); c.4103-1G>A (NM_005691.4, NM_001377273.1).
Identifiers: ClinVar variation 1343609 (VCV001343609.6), dbSNP rs1189432427, ClinGen allele CA384134997.